The following is an entry in ClinVar:

NM_000466.3(PEX1):c.2278G>C (p.Asp760His)

Gene: PEX1 (peroxisomal biogenesis factor 1; minus strand). Cytogenetic location: 7q21.2.
Variant type: single nucleotide variant.
Coding change: c.2278G>C on transcript NM_000466.3 (MANE Select); coding-DNA position 2278, G replaced by C.
Protein change: p.Asp760His; replaces aspartic acid 760 with histidine.
Molecular consequence: missense variant.
Genome position (GRCh38, 1-based): chr7:92,502,028, C>G on the plus strand (G>C on the coding strand, the complement: PEX1 is on the minus strand). VCF-style: chr7-92502028-C-G. GRCh37 (hg19) VCF-style: chr7-92131342-C-G.
Other names: c.2107G>C, p.Asp703His (NM_001282677.2); c.1654G>C, p.Asp552His (NM_001282678.2); short protein forms D552H, D703H, D760H.
Identifiers: ClinVar variation 639458 (VCV000639458.9), dbSNP rs757149759, ClinGen allele CA4341163.

ClinVar aggregate classification (germline): Uncertain significance. Review status: criteria provided, multiple submitters, no conflicts (2 of 4 stars). 3 submissions from 3 submitters: Uncertain significance (2). 1 of the submissions does not count toward it. Last evaluated 2023-03-31.

Conditions:
Zellweger spectrum disorders (ZS). Also called: Zellweger Spectrum; Zellweger syndrome; Zellweger Spectrum Disorder (ZSD); Zellweger Spectrum Disorder. Identifiers: Orphanet 912, MedGen C0043459, MONDO:0019609.

Allele frequency attached by ClinVar (database versions not stated): gnomAD exomes below 0.00001 and 0.00001; ExAC 0.00001; gnomAD 0.00001; TOPMed 0.00002.
gnomAD v4.1: 5 of 1,612,990 alleles (0.00031%); highest among the groups gnomAD compares: Non-Finnish European, 0.00034%; no homozygotes.

Submissions (3):

Blueprint Genetics
Classification: Uncertain significance. Last evaluated: 2023-03-31. Review status: criteria provided, single submitter. Criteria: ACMG Guidelines, 2015. Collection method: clinical testing. Allele origin: germline.

Labcorp Genetics (formerly Invitae), Labcorp
Classification: Uncertain significance for Zellweger spectrum disorders. Last evaluated: 2021-08-27. Review status: criteria provided, single submitter. Criteria: Invitae Variant Classification Sherloc (09022015). Collection method: clinical testing. Allele origin: germline.
Comment: This sequence change replaces aspartic acid with histidine at codon 760 of the PEX1 protein (p.Asp760His). The aspartic acid residue is moderately conserved and there is a moderate physicochemical difference between aspartic acid and histidine. This variant is present in population databases (rs757149759, ExAC 0.001%). This variant has not been reported in the literature in individuals affected with PEX1-related conditions. Algorithms developed to predict the effect of missense changes on protein structure and function (SIFT, PolyPhen-2, Align-GVGD) all suggest that this variant is likely to be tolerated. In summary, the available evidence is currently insufficient to determine the role of this variant in disease. Therefore, it has been classified as a Variant of Uncertain Significance.

Natera, Inc.
Classification: Uncertain significance for Zellweger syndrome. Last evaluated: 2020-08-14. Review status: no assertion criteria provided. Collection method: clinical testing. Allele origin: germline. Not counted in ClinVar's aggregate classification.